The following is an entry in ClinVar:

NM_153026.3(PRICKLE1):c.1639+5G>A

Gene: PRICKLE1 (prickle planar cell polarity protein 1; minus strand). Cytogenetic location: 12q12.
Variant type: single nucleotide variant.
Coding change: c.1639+5G>A on transcript NM_153026.3 (MANE Select); 5 bases into the intron after coding-DNA position 1639, G replaced by A.
Molecular consequence: intron variant.
Genome position (GRCh38, 1-based): chr12:42,464,390, C>T on the plus strand (G>A on the coding strand, the complement: PRICKLE1 is on the minus strand). VCF-style: chr12-42464390-C-T. GRCh37 (hg19) VCF-style: chr12-42858192-C-T.
Other names: c.1639+5G>A (NM_001144883.2, NM_001144882.2, NM_001144881.2).
Identifiers: ClinVar variation 537241 (VCV000537241.7), dbSNP rs201450953, ClinGen allele CA6519723.

ClinVar aggregate classification (germline): Uncertain significance (1 of 4 stars; one submission).

Conditions:
Epilepsy, progressive myoclonic, 1B. Also called: PME. Identifiers: Orphanet 308, MedGen C2676254, MONDO:0012904, OMIM 612437.

Allele frequency attached by ClinVar (database versions not stated): gnomAD 0.00001 and 0.00003; gnomAD exomes 0.00002; TOPMed 0.00002; ExAC 0.00004.
gnomAD v4.1: 16 of 1,613,996 alleles (0.00099%); highest among the groups gnomAD compares: Middle Eastern, 0.033%; 1 homozygote.

Submission:

Labcorp Genetics (formerly Invitae), Labcorp
Classification: Uncertain significance for Epilepsy, progressive myoclonic, 1B. Last evaluated: 2022-10-05. Review status: criteria provided, single submitter. Criteria: Invitae Variant Classification Sherloc (09022015). Collection method: clinical testing. Allele origin: germline.
Comment: Variants that disrupt the consensus splice site are a relatively common cause of aberrant splicing (PMID: 17576681, 9536098). Algorithms developed to predict the effect of sequence changes on RNA splicing suggest that this variant is not likely to affect RNA splicing. In summary, the available evidence is currently insufficient to determine the role of this variant in disease. Therefore, it has been classified as a Variant of Uncertain Significance. ClinVar contains an entry for this variant (Variation ID: 537241). This variant has not been reported in the literature in individuals affected with PRICKLE1-related conditions. This variant is present in population databases (rs201450953, gnomAD 0.004%). This sequence change falls in intron 7 of the PRICKLE1 gene. It does not directly change the encoded amino acid sequence of the PRICKLE1 protein. It affects a nucleotide within the consensus splice site.

Literature cited by the submitters: PubMed 17576681; PubMed 9536098.